The following is an entry in ClinVar:

ClinVar aggregate classification (germline): Uncertain significance. Review status: criteria provided, multiple submitters, no conflicts (2 of 4 stars). 2 submissions from 2 submitters: Uncertain significance (2). Last evaluated 2025-06-27.

Conditions:
Inborn genetic diseases. Identifiers: MedGen C0950123, MeSH D030342.
Episodic kinesigenic dyskinesia (EKD). Also called: Paroxysmal kinesigenic dyskinesia. Identifiers: Orphanet 98809, MedGen C1868682, MONDO:0044202.

Allele frequency attached by ClinVar (database versions not stated): gnomAD exomes 0.00001; TOPMed 0.00001; ExAC 0.00002; gnomAD 0.00002.

Submissions (2):

Labcorp Genetics (formerly Invitae), Labcorp
Classification: Uncertain significance for Episodic kinesigenic dyskinesia. Last evaluated: 2025-06-27. Review status: criteria provided, single submitter. Criteria: Invitae Variant Classification Sherloc (09022015). Collection method: clinical testing. Allele origin: germline.
Comment: This sequence change replaces proline, which is neutral and non-polar, with threonine, which is neutral and polar, at codon 18 of the PRRT2 protein (p.Pro18Thr). This variant is present in population databases (rs771505810, gnomAD 0.007%). This variant has not been reported in the literature in individuals affected with PRRT2-related conditions. ClinVar contains an entry for this variant (Variation ID: 1746689). Invitae Evidence Modeling of protein sequence and biophysical properties (such as structural, functional, and spatial information, amino acid conservation, physicochemical variation, residue mobility, and thermodynamic stability) indicates that this missense variant is not expected to disrupt PRRT2 protein function with a negative predictive value of 95%. In summary, the available evidence is currently insufficient to determine the role of this variant in disease. Therefore, it has been classified as a Variant of Uncertain Significance.

Ambry Genetics
Classification: Uncertain significance for Inborn genetic diseases. Last evaluated: 2018-09-29. Review status: criteria provided, single submitter. Criteria: Ambry Variant Classification Scheme 2023. Collection method: clinical testing. Allele origin: germline.
Comment: The p.P18T variant (also known as c.52C>A), located in coding exon 1 of the PRRT2 gene, results from a C to A substitution at nucleotide position 52. The proline at codon 18 is replaced by threonine, an amino acid with highly similar properties. This amino acid position is not well conserved in available vertebrate species. In addition, this alteration is predicted to be tolerated by in silico analysis. Since supporting evidence is limited at this time, the clinical significance of this alteration remains unclear.

Literature cited by the submitters: PubMed 24594579 (cited by Ambry Genetics).

NM_145239.3(PRRT2):c.52C>A (p.Pro18Thr)

Genes: MVP-DT (MVP divergent transcript; minus strand), PRRT2 (proline rich transmembrane protein 2; plus strand). Cytogenetic location: 16p11.2.
Variant type: single nucleotide variant.
Coding change: c.52C>A on transcript NM_145239.3 (MANE Select); coding-DNA position 52, C replaced by A.
Protein change: p.Pro18Thr; replaces proline 18 with threonine.
Molecular consequence: missense variant.
Genome position (GRCh38, 1-based): chr16:29,813,106, C>A. VCF-style: chr16-29813106-C-A. GRCh37 (hg19) VCF-style: chr16-29824427-C-A.
Other names: c.52C>A, p.Pro18Thr (NM_001256442.2, NM_001256443.2); short protein forms P18T.
Identifiers: ClinVar variation 1746689 (VCV001746689.7), dbSNP rs771505810, ClinGen allele CA7994469.